The following is an entry in ClinVar:

ClinVar aggregate classification (germline): Likely benign (1 of 4 stars; one submission).

Allele frequency attached by ClinVar (database versions not stated): ExAC 0.00002; TOPMed 0.00003; gnomAD 0.00001.
gnomAD v4.1: 16 of 1,609,382 alleles (0.00099%); highest among the groups gnomAD compares: Admixed American, 0.0034%; no homozygotes.

Submission:

CeGaT Center for Human Genetics Tuebingen
Classification: Likely benign. Last evaluated: 2022-05-01. Review status: criteria provided, single submitter. Criteria: CeGaT Center For Human Genetics Tuebingen Variant Classification Criteria Version 2. Collection method: clinical testing. Allele origin: germline. Affected: yes. Observed: 1 variant allele.
Comment: FDXACB1: BP4, BP7

NM_138378.3(FDXACB1):c.402G>A (p.Ala134=)

Gene: FDXACB1 (ferredoxin-fold anticodon binding domain containing 1; minus strand). Cytogenetic location: 11q23.1.
Variant type: single nucleotide variant.
Coding change: c.402G>A on transcript NM_138378.3 (MANE Select); coding-DNA position 402, G replaced by A.
Protein change: p.Ala134=; no amino-acid change (alanine 134 retained).
Molecular consequence: synonymous variant. On other transcripts: non-coding transcript variant (1).
Genome position (GRCh38, 1-based): chr11:111,876,939, C>T on the plus strand (G>A on the coding strand, the complement: FDXACB1 is on the minus strand). VCF-style: chr11-111876939-C-T. GRCh37 (hg19) VCF-style: chr11-111747663-C-T.
Identifiers: ClinVar variation 2642368 (VCV002642368.24), dbSNP rs782270703, ClinGen allele CA6275097.